The following is an entry in ClinVar:

NM_005359.6(SMAD4):c.156T>G (p.Asp52Glu)

Gene: SMAD4 (SMAD family member 4; plus strand). Cytogenetic location: 18q21.2.
Variant type: single nucleotide variant.
Coding change: c.156T>G on transcript NM_005359.6 (MANE Select); coding-DNA position 156, T replaced by G.
Protein change: p.Asp52Glu; replaces aspartic acid 52 with glutamic acid.
Molecular consequence: missense variant.
Genome position (GRCh38, 1-based): chr18:51,047,202, T>G. VCF-style: chr18-51047202-T-G. GRCh37 (hg19) VCF-style: chr18-48573572-T-G.
Other names: c.156T>G, p.Asp52Glu (NM_001407041.1, NM_001407042.1, NM_001407043.1); short protein forms D52E.
Identifiers: ClinVar variation 2133896 (VCV002133896.4), dbSNP rs2144401315, ClinGen allele CA402457893.

ClinVar aggregate classification (germline): Uncertain significance (1 of 4 stars; one submission).

Conditions:
Juvenile polyposis syndrome (JPS). Identifiers: Orphanet 2929, MedGen C0345893, MONDO:0017380, OMIM 174900.

Submission:

Labcorp Genetics (formerly Invitae), Labcorp
Classification: Uncertain significance for Juvenile polyposis syndrome. Last evaluated: 2022-05-04. Review status: criteria provided, single submitter. Criteria: Invitae Variant Classification Sherloc (09022015). Collection method: clinical testing. Allele origin: germline.
Comment: This variant has not been reported in the literature in individuals affected with SMAD4-related conditions. In summary, the available evidence is currently insufficient to determine the role of this variant in disease. Therefore, it has been classified as a Variant of Uncertain Significance. Advanced modeling of protein sequence and biophysical properties (such as structural, functional, and spatial information, amino acid conservation, physicochemical variation, residue mobility, and thermodynamic stability) performed at Invitae indicates that this missense variant is not expected to disrupt SMAD4 protein function. This sequence change replaces aspartic acid, which is acidic and polar, with glutamic acid, which is acidic and polar, at codon 52 of the SMAD4 protein (p.Asp52Glu). This variant is not present in population databases (gnomAD no frequency).